The following is an entry in ClinVar:

NM_001379451.1(BCORL1):c.310A>C (p.Asn104His)

Gene: BCORL1 (BCL6 corepressor like 1; plus strand). Cytogenetic location: Xq26.1.
Variant type: single nucleotide variant.
Coding change: c.310A>C on transcript NM_001379451.1 (MANE Select); coding-DNA position 310, A replaced by C.
Protein change: p.Asn104His; replaces asparagine 104 with histidine.
Molecular consequence: missense variant.
Genome position (GRCh38, 1-based): chrX:130,013,082, A>C. VCF-style: chrX-130013082-A-C. GRCh37 (hg19) VCF-style: chrX-129147058-A-C.
Other names: c.310A>C, p.Asn104His (NM_001184772.3, NM_001379450.1, NM_021946.5); short protein forms N104H.
Identifiers: ClinVar variation 3373111 (VCV003373111.1).

ClinVar aggregate classification (germline): Uncertain significance (1 of 4 stars; one submission).

gnomAD v4.1: 1 of 1,210,830 alleles (0.000083%); highest among the groups gnomAD compares: Non-Finnish European, 0.00011%; no homozygotes.

Submission:

GeneDx
Classification: Uncertain significance. Last evaluated: 2024-04-30. Review status: criteria provided, single submitter. Criteria: GeneDx Variant Classification Process June 2021. Collection method: clinical testing. Allele origin: germline. Affected: yes.
Comment: Not observed at significant frequency in large population cohorts (gnomAD); In silico analysis indicates that this missense variant does not alter protein structure/function; Has not been previously published as pathogenic or benign to our knowledge